The following is an entry in ClinVar:

NM_000232.5(SGCB):c.55_56insGAGACAGT (p.Lys19fs)

Gene: SGCB (sarcoglycan beta; minus strand). Cytogenetic location: 4q12.
Variant type: Insertion.
Coding change: c.55_56insGAGACAGT on transcript NM_000232.5 (MANE Select); coding-DNA positions 55 to 56, GAGACAGT inserted.
Protein change: p.Lys19fs; shifts the reading frame from lysine 19.
Molecular consequence: frameshift variant.
Genome position: GRCh38 VCF-style: chr4-52033618-T-TACTGTCTC. GRCh37 (hg19) VCF-style: chr4-52899784-T-TACTGTCTC.
Other names: short protein forms K19fs.
Identifiers: ClinVar variation 1725174 (VCV001725174.2), dbSNP rs2475230575, ClinGen allele CA2580071062.

ClinVar aggregate classification (germline): Likely pathogenic (1 of 4 stars; one submission).

Conditions:
Autosomal recessive limb-girdle muscular dystrophy type 2E (LGMDR4). Also called: MUSCULAR DYSTROPHY, LIMB-GIRDLE, AUTOSOMAL RECESSIVE 4. Identifiers: Orphanet 119, MedGen C1858593, MONDO:0011423, OMIM 604286. Disease mechanism: Affects gamma-sarcoglycan and also disrupts the integrity of the entire sarcoglycan complex..

Submission:

Myriad Genetics, Inc.
Classification: Likely pathogenic for Autosomal recessive limb-girdle muscular dystrophy type 2E. Last evaluated: 2022-03-14. Review status: criteria provided, single submitter. Criteria: Myriad Women's Health Autosomal Recessive and X-Linked Classification Criteria (2021). Collection method: clinical testing. Allele origin: unknown.
Comment: NM_000232.4(SGCB):c.55_56ins8(K19Rfs*42) is expected to be pathogenic in the context of beta-sarcoglycanopathy. This variant is predicted to lead to an abnormal or absent protein product due to the creation of a premature termination codon in SGCB, a gene where loss-of-function variants are known to be pathogenic. Please note: this variant was assessed in the context of healthy population screening.